The following is an entry in ClinVar:

ClinVar aggregate classification (germline): Pathogenic (1 of 4 stars; one submission).

Conditions:
Hereditary factor XI deficiency disease. Also called: PLASMA THROMBOPLASTIN ANTECEDENT DEFICIENCY; PTA DEFICIENCY; ROSENTHAL SYNDROME; Congenital factor XI deficiency. Identifiers: Orphanet 329, MedGen C0015523, MeSH D005173, MONDO:0012897, OMIM 612416.

Submission:

Myriad Genetics, Inc.
Classification: Pathogenic for Hereditary factor XI deficiency disease. Last evaluated: 2024-05-14. Review status: criteria provided, single submitter. Criteria: Myriad Autosomal Dominant, Autosomal Recessive and X-Linked Classification Criteria (2023). Collection method: clinical testing. Allele origin: unknown.
Comment: NM_000128.3(F11):c.1542C>A(C514*) is expected to be pathogenic in the context of factor XI deficiency. This variant is predicted to lead to an abnormal or absent protein product due to the creation of a premature termination codon in F11, a gene where loss-of-function variants are known to be pathogenic. Please note: this variant was assessed in the context of healthy population screening.

NM_000128.4(F11):c.1542C>A (p.Cys514Ter)

Genes: F11 (coagulation factor XI; plus strand), F11-AS1 (F11 antisense RNA 1; minus strand). Cytogenetic location: 4q35.2.
Variant type: single nucleotide variant.
Coding change: c.1542C>A on transcript NM_000128.4 (MANE Select); coding-DNA position 1542, C replaced by A.
Protein change: p.Cys514Ter; replaces cysteine 514 with a stop codon.
Molecular consequence: nonsense. On other transcripts: intron variant (4).
Genome position (GRCh38, 1-based): chr4:186,286,476, C>A. VCF-style: chr4-186286476-C-A. GRCh37 (hg19) VCF-style: chr4-187207630-C-A.
Other names: c.1494C>A, p.Cys498Ter (NM_001440590.1); c.1272C>A, p.Cys424Ter (NM_001440605.1); c.1224C>A, p.Cys408Ter (NM_001440606.1); c.1480+663C>A (NM_001440593.1); c.1432+663C>A (NM_001440596.1); c.1210+663C>A (NM_001440607.1); c.1162+663C>A (NM_001440608.1); short protein forms C408*, C424*, C498*, C514*.
Identifiers: ClinVar variation 5015500 (VCV005015500.1).